The following is an entry in ClinVar:

ClinVar aggregate classification (germline): Uncertain significance. Review status: criteria provided, multiple submitters, no conflicts (2 of 4 stars). 3 submissions from 3 submitters: Uncertain significance (3). Last evaluated 2021-07-15.

Conditions:
Hereditary cancer-predisposing syndrome. Also called: Neoplastic Syndromes, Hereditary; Hereditary Cancer Syndrome; Hereditary neoplastic syndrome; Tumor predisposition. Identifiers: Orphanet 140162, MedGen C0027672, MeSH D009386, MONDO:0015356.
Peutz-Jeghers syndrome (PJS). Also called: Peutz-Jeghers polyposis; Periorificial lentiginosis syndrome; POLYPOSIS, HAMARTOMATOUS INTESTINAL; POLYPS-AND-SPOTS SYNDROME. Identifiers: Orphanet 2869, MedGen C0031269, MeSH D010580, MONDO:0008280, OMIM 175200.

Allele frequency attached by ClinVar (database versions not stated): gnomAD exomes below 0.00001.
gnomAD v4.1: 1 of 1,608,882 alleles (0.000062%); highest among the groups gnomAD compares: Admixed American, 0.0017%; no homozygotes.

Submissions (3):

Genome-Nilou Lab
Classification: Uncertain significance for Peutz-Jeghers syndrome. Last evaluated: 2021-07-15. Review status: criteria provided, single submitter. Criteria: ACMG Guidelines, 2015. Collection method: clinical testing. Allele origin: germline. Affected: no.

Color Diagnostics, LLC DBA Color Health
Classification: Uncertain significance for Hereditary cancer-predisposing syndrome. Last evaluated: 2019-08-12. Review status: criteria provided, single submitter. Criteria: ACMG Guidelines, 2015. Collection method: clinical testing. Allele origin: germline.
Comment: This missense variant replaces proline with serine at codon 221 of the STK11 protein. Computational prediction tools and conservation analyses are inconclusive regarding the impact of this variant on the protein function. Computational splicing tools suggest that this variant may not impact RNA splicing. To our knowledge, functional assays have not been performed for this variant nor has this variant been reported in individuals affected with hereditary cancer in the literature. This variant has been identified in 1/237760 chromosomes in the general population by the Genome Aggregation Database (gnomAD). Available evidence is insufficient to determine the role of this variant in disease conclusively. Therefore, this variant is classified as a Variant of Uncertain Significance.

Ambry Genetics
Classification: Uncertain significance for Hereditary cancer-predisposing syndrome. Last evaluated: 2013-05-07. Review status: criteria provided, single submitter. Criteria: Ambry Autosomal Dominant and X-Linked criteria (10/2015). Collection method: clinical testing. Allele origin: germline. Observed: 1 variant allele.
Comment: The p.P221S variant (also known as c.661C>T) is located in coding exon 5 of the STK11 gene. This alteration results from a C to T substitution at nucleotide position 661. The proline at codon 221 is replaced by serine, an amino acid with similar properties. This variant was not reported in population-based cohorts in the following databases: Database of Single Nucleotide Polymorphisms (dbSNP), NHLBI Exome Sequencing Project (ESP) and 1000 Genomes Project. To date, this alteration has been detected with an allele frequency of approximately 0.02% (greater than 4600 alleles tested) in our clinical cohort (includes this individual). Based on protein sequence alignment, this amino acid position is highly conserved in available vertebrate species. In addition, this alteration is predicted to be possibly damaging and deleterious by PolyPhen and SIFT in silico analyses, respectively. Since supporting evidence is limited at this time, the clinical significance of p.P221S remains unclear.

NM_000455.5(STK11):c.661C>T (p.Pro221Ser)

Gene: STK11 (serine/threonine kinase 11; plus strand). Cytogenetic location: 19p13.3.
Variant type: single nucleotide variant.
Coding change: c.661C>T on transcript NM_000455.5 (MANE Select); coding-DNA position 661, C replaced by T.
Protein change: p.Pro221Ser; replaces proline 221 with serine.
Molecular consequence: missense variant.
Genome position (GRCh38, 1-based): chr19:1,220,644, C>T. VCF-style: chr19-1220644-C-T. GRCh37 (hg19) VCF-style: chr19-1220643-C-T.
Other names: short protein forms P221S.
Identifiers: ClinVar variation 142560 (VCV000142560.7), dbSNP rs587782546, ClinGen allele CA023207.
Genomic context (GRCh38, chr19:1,220,644, plus strand): 5'-CTGCACCCGTTCGCGGCGGACGACACCTGCCGGACCAGCCAGGGCTCCCCGGCTTTCCAG[C>T]CGCCCGAGATTGCCAACGGCCTGGACACCTTCTCCGGCTTCAAGGTGGACATCTGGTCGG-3'
Protein context (NP_000446.1, residues 211-231): RTSQGSPAFQ[Pro221Ser]PEIANGLDTF